The following is an entry in ClinVar:

NM_153717.3(EVC):c.*2466G>A

Gene: EVC (EvC ciliary complex subunit 1; plus strand). Cytogenetic location: 4p16.2.
Variant type: single nucleotide variant.
Coding change: c.*2466G>A on transcript NM_153717.3 (MANE Select); 2466 bases downstream of the stop codon, G replaced by A.
Molecular consequence: 3 prime UTR variant.
Genome position (GRCh38, 1-based): chr4:5,813,503, G>A. VCF-style: chr4-5813503-G-A. GRCh37 (hg19) VCF-style: chr4-5815230-G-A.
Other names: c.*2466G>A (NM_001306090.2).
Identifiers: ClinVar variation 905520 (VCV000905520.4), dbSNP rs572400824, ClinGen allele CA91730207.

ClinVar aggregate classification (germline): Benign (1 of 4 stars; one submission).

Conditions:
Ellis-van Creveld syndrome (EVC). Also called: EVC-Related Ellis-van Creveld Syndrome; EVC2-Related Ellis-van Creveld Syndrome; MESOECTODERMAL DYSPLASIA; Chondroectodermal dysplasia. Identifiers: Orphanet 289, MedGen C0013903, MONDO:0009162, OMIM 225500.

Allele frequency attached by ClinVar (database versions not stated): TOPMed 0.00002; gnomAD 0.00006 and 0.00077; 1000 Genomes Project 30x 0.00484; 1000 Genomes Project 0.00519.

Submission:

Illumina Laboratory Services, Illumina
Classification: Benign for Ellis-van Creveld syndrome. Last evaluated: 2018-01-13. Review status: criteria provided, single submitter. Criteria: ICSL Variant Classification Criteria 13 December 2019. Collection method: clinical testing. Allele origin: germline.
Comment: This variant was observed in the ICSL laboratory as part of a predisposition screen in an ostensibly healthy population. It had not been previously curated by ICSL or reported in the Human Gene Mutation Database (HGMD: prior to June 1st, 2018), and was therefore a candidate for classification through an automated scoring system. Utilizing variant allele frequency, disease prevalence and penetrance estimates, and inheritance mode, an automated score was calculated to assess if this variant is too frequent to cause the disease. Based on the score and internal cut-off values, a variant classified as benign is not then subjected to further curation. The score for this variant resulted in a classification of benign for this disease.